The following is an entry in ClinVar:

ClinVar aggregate classification (germline): Uncertain significance. Review status: criteria provided, multiple submitters, no conflicts (2 of 4 stars). 3 submissions from 3 submitters: Uncertain significance (3). Last evaluated 2021-08-27.

Conditions:
Charcot-Marie-Tooth disease type 4. Also called: Charcot-Marie-Tooth, Type 4; Charcot-Marie-Tooth disease, type IV. Identifiers: Orphanet 64749, MedGen C4082197, MONDO:0018995.
Charcot-Marie-Tooth disease type 4B2. Also called: CMT 4B2; Charcot-Marie-Tooth Neuropathy Type 4B2; CHARCOT-MARIE-TOOTH DISEASE, WITH FOCALLY FOLDED MYELIN SHEATHS, AUTOSOMAL RECESSIVE, TYPE 4B2; CHARCOT-MARIE-TOOTH DISEASE, DEMYELINATING, TYPE 4B2. Identifiers: Orphanet 99956, MedGen C1858278, MONDO:0011475, OMIM 604563.
Charcot-Marie-Tooth disease. Also called: Charcot-Marie-Tooth Hereditary Neuropathy; Charcot-Marie-Tooth Neuropathy. Identifiers: Orphanet 166, MedGen C0007959, MONDO:0015626.

Allele frequency attached by ClinVar (database versions not stated): TOPMed below 0.00001; gnomAD 0.00001.
gnomAD v4.1: 29 of 1,613,222 alleles (0.0018%); highest among the groups gnomAD compares: Non-Finnish European, 0.0023%; no homozygotes.

Submissions (3):

Labcorp Genetics (formerly Invitae), Labcorp
Classification: Uncertain significance for Charcot-Marie-Tooth disease type 4. Last evaluated: 2021-08-27. Review status: criteria provided, single submitter. Criteria: Invitae Variant Classification Sherloc (09022015). Collection method: clinical testing. Allele origin: germline.
Comment: This sequence change replaces proline with serine at codon 1487 of the SBF2 protein (p.Pro1487Ser). The proline residue is highly conserved and there is a moderate physicochemical difference between proline and serine. This variant is not present in population databases (ExAC no frequency). This variant has not been reported in the literature in individuals affected with SBF2-related conditions. Algorithms developed to predict the effect of missense changes on protein structure and function are either unavailable or do not agree on the potential impact of this missense change (SIFT: "Deleterious"; PolyPhen-2: "Probably Damaging"; Align-GVGD: "Class C0"). In summary, the available evidence is currently insufficient to determine the role of this variant in disease. Therefore, it has been classified as a Variant of Uncertain Significance.

ARUP Laboratories, Molecular Genetics and Genomics, ARUP Laboratories
Classification: Uncertain significance for Charcot-Marie-Tooth disease type 4B2. Last evaluated: 2021-01-12. Review status: criteria provided, single submitter. Criteria: ARUP Molecular Germline Variant Investigation Process 2021. Collection method: clinical testing. Allele origin: germline.
Comment: The SBF2 c.4459C>T; p.Pro1487Ser variant (rs1590103742), to our knowledge, is not reported in the medical literature but is reported in ClinVar (Variation ID: 663998).This variant is absent from general population databases (Exome Variant Server, Genome Aggregation Database), indicating it is not a common polymorphism. The proline at codon 1487 is highly conserved, and computational analyses predict that this variant is deleterious (REVEL: 0.95). Due to limited information, the clinical significance of the p.Pro1487Ser variant is uncertain at this time.

Molecular Genetics Laboratory, London Health Sciences Centre
Classification: Uncertain significance for Charcot-Marie-Tooth disease. Review status: criteria provided, single submitter. Criteria: ACMG Guidelines, 2015. Collection method: clinical testing. Allele origin: germline. Affected: yes.

NM_030962.4(SBF2):c.4459C>T (p.Pro1487Ser)

Genes: SBF2-AS1 (SBF2 antisense RNA 1; plus strand), SBF2 (SET binding factor 2; minus strand). Cytogenetic location: 11p15.4.
Variant type: single nucleotide variant.
Coding change: c.4459C>T on transcript NM_030962.4 (MANE Select); coding-DNA position 4459, C replaced by T.
Protein change: p.Pro1487Ser; replaces proline 1487 with serine.
Molecular consequence: missense variant.
Genome position (GRCh38, 1-based): chr11:9,795,942, G>A on the plus strand (C>T on the coding strand, the complement: SBF2 is on the minus strand). VCF-style: chr11-9795942-G-A. GRCh37 (hg19) VCF-style: chr11-9817489-G-A.
Other names: c.4555C>T, p.Pro1519Ser (NM_001386339.1); c.4330C>T, p.Pro1444Ser (NM_001386342.1); short protein forms P1487S, P1444S, P1519S.
Identifiers: ClinVar variation 663998 (VCV000663998.13), dbSNP rs1590103742, ClinGen allele CA379636669.
Genomic context (GRCh38, chr11:9,795,942, plus strand): 5'-TAGACACATAGTGGAAAGCCAAGAACTTTAAGTAATAGAGATTGAATTCAAACTCAGTTG[G>A]ATACTGGTTGTGAACCTGAAACACACAAGGCAAAGAAAAGAGTAAGAATCAAACAGAACA-3'
Protein context (NP_112224.1, residues 1477-1497): DCVHQVHNQY[Pro1487Ser]TEFEFNLYYL